The following is an entry in ClinVar:

NM_001035.3(RYR2):c.410G>A (p.Arg137Gln)

Gene: RYR2 (ryanodine receptor 2; plus strand). Cytogenetic location: 1q43.
Variant type: single nucleotide variant.
Coding change: c.410G>A on transcript NM_001035.3 (MANE Select); coding-DNA position 410, G replaced by A.
Protein change: p.Arg137Gln; replaces arginine 137 with glutamine.
Molecular consequence: missense variant.
Genome position (GRCh38, 1-based): chr1:237,374,742, G>A. VCF-style: chr1-237374742-G-A. GRCh37 (hg19) VCF-style: chr1-237538042-G-A.
Other names: short protein forms R137Q.
Identifiers: ClinVar variation 3072651 (VCV003072651.2), dbSNP rs1042124309, ClinGen allele CA345374386.
Genomic context (GRCh38, chr1:237,374,742, plus strand): 5'-CCTCTACTTACAACTACTGATTTTGTACTTTGTAGTATCTGTGCTGCCTGTCCACCTCCC[G>A]GTCTTCAACTGATAAGCTGGCTTTTGATGTTGGCTTGCAAGAGGACACCACAGGTAAGCA-3'
Protein context (NP_001026.2, residues 127-147): GMYLCCLSTS[Arg137Gln]SSTDKLAFDV

ClinVar aggregate classification (germline): Uncertain significance. Review status: criteria provided, multiple submitters, no conflicts (2 of 4 stars). 2 submissions from 2 submitters: Uncertain significance (2). Last evaluated 2025-06-27.

Conditions:
Catecholaminergic polymorphic ventricular tachycardia (CVPT). Also called: Catecholamine-induced polymorphic ventricular tachycardia. Identifiers: Orphanet 3286, MedGen C5574922, MONDO:0017990.
Catecholaminergic polymorphic ventricular tachycardia 1. Also called: VENTRICULAR TACHYCARDIA, CATECHOLAMINERGIC POLYMORPHIC, 1, WITH OR WITHOUT ATRIAL DYSFUNCTION AND/OR DILATED CARDIOMYOPATHY; RYR2-Related Catecholaminergic Polymorphic Ventricular Tachycardia; VENTRICULAR TACHYCARDIA, STRESS-INDUCED POLYMORPHIC 1. Identifiers: Orphanet 3286, MedGen C1631597, MONDO:0011484, OMIM 604772.

gnomAD v4.1: 15 of 1,612,930 alleles (0.00093%); highest among the groups gnomAD compares: African/African-American, 0.0013%; no homozygotes.

Submissions (2):

Labcorp Genetics (formerly Invitae), Labcorp
Classification: Uncertain significance for Catecholaminergic polymorphic ventricular tachycardia 1. Last evaluated: 2025-06-27. Review status: criteria provided, single submitter. Criteria: Invitae Variant Classification Sherloc (09022015). Collection method: clinical testing. Allele origin: germline.
Comment: This sequence change replaces arginine, which is basic and polar, with glutamine, which is neutral and polar, at codon 137 of the RYR2 protein (p.Arg137Gln). This variant is present in population databases (no rsID available, gnomAD 0.007%). This variant has not been reported in the literature in individuals affected with RYR2-related conditions. ClinVar contains an entry for this variant (Variation ID: 3072651). Invitae Evidence Modeling of protein sequence and biophysical properties (such as structural, functional, and spatial information, amino acid conservation, physicochemical variation, residue mobility, and thermodynamic stability) has been performed for this missense variant. However, the output from this modeling did not meet the statistical confidence thresholds required to predict the impact of this variant on RYR2 protein function. In summary, the available evidence is currently insufficient to determine the role of this variant in disease. Therefore, it has been classified as a Variant of Uncertain Significance.

All of Us Research Program, National Institutes of Health
Classification: Uncertain significance for Catecholaminergic polymorphic ventricular tachycardia. Last evaluated: 2023-08-15. Review status: criteria provided, single submitter. Criteria: ACMG Guidelines, 2015. Collection method: clinical testing. Allele origin: germline. Inheritance: Autosomal dominant inheritance. Observed: 1 variant allele, 1 heterozygote.
Comment: This study involves interpretation of variants in research participants for the purpose of population health screening. Participant phenotype was not available at the time of variant classification. Additional details can be found in publication PMID: 35346344, PMCID: PMC8962531